The following is an entry in ClinVar:

ClinVar aggregate classification (germline): Likely pathogenic. Review status: criteria provided, multiple submitters, no conflicts (2 of 4 stars). 2 submissions from 2 submitters: Likely pathogenic (2). Last evaluated 2026-03-25.

Conditions:
Cardiovascular phenotype. Identifiers: MedGen CN230736.
Dilated cardiomyopathy 1G (CMD1G). Identifiers: Orphanet 154, MedGen C1858763, MONDO:0011400, OMIM 604145.
Autosomal recessive limb-girdle muscular dystrophy type 2J (LGMDR10). Also called: Limb-girdle muscular dystrophy, type 2J; MUSCULAR DYSTROPHY, LIMB-GIRDLE, AUTOSOMAL RECESSIVE 10. Identifiers: Orphanet 140922, MedGen C1837342, MONDO:0012127, OMIM 608807.

Submissions (2):

Ambry Genetics
Classification: Likely pathogenic for Cardiovascular phenotype. Last evaluated: 2026-03-25. Review status: criteria provided, single submitter. Criteria: Ambry Variant Classification Scheme 2023. Collection method: clinical testing. Allele origin: germline.
Comment: The c.20292_20293delCA variant, located in coding exon 80 of the TTN gene, results from a deletion of two nucleotides at nucleotide positions 20292 to 20293, causing a translational frameshift with a predicted alternate stop codon (p.Y6764*). This exon is located in the A-band region of the N2-B isoform of the titin protein and is constitutively expressed in TTN transcripts (percent spliced in or PSI 100%). This variant is considered to be rare based on population cohorts in the Genome Aggregation Database (gnomAD). This variant is expected to result in loss of function by premature protein truncation or nonsense-mediated mRNA decay. While truncating variants in TTN are present in 1-3% of the general population, truncating variants in the A-band are the most common cause of dilated cardiomyopathy (Herman DS et al. N. Engl. J. Med., 2012 Feb;366:619-28; Roberts AM et al. Sci Transl Med, 2015 Jan;7:270ra6). TTN truncating variants encoded in constitutive exons (PSI >90%) have been found to be significantly associated with DCM regardless of their position in titin (Schafer S et al. Nat. Genet., 2017 01;49:46-53; Akhtar MM et al. Circ Heart Fail, 2020 Oct;13:e006832; Massier M et al. Clin Genet, 2025 Jan). Based on the majority of available evidence to date, this variant is likely to be pathogenic.

Labcorp Genetics (formerly Invitae), Labcorp
Classification: Likely pathogenic for Dilated cardiomyopathy 1G; Autosomal recessive limb-girdle muscular dystrophy type 2J. Last evaluated: 2025-09-10. Review status: criteria provided, single submitter. Criteria: Invitae Variant Classification Sherloc (09022015). Collection method: clinical testing. Allele origin: germline.
Comment: This sequence change creates a premature translational stop signal (p.Tyr15829*) in the TTN gene. While this is not anticipated to result in nonsense mediated decay, it is expected to create a truncated TTN protein. This variant is not present in population databases (gnomAD no frequency). This variant has not been reported in the literature in individuals affected with TTN-related conditions. ClinVar contains an entry for this variant (Variation ID: 1517229). This variant is located in the A band of TTN (PMID: 25589632). Truncating variants in this region are significantly overrepresented in patients affected with dilated cardiomyopathy (PMID: 25589632). Truncating variants in this region have also been reported in individuals affected with autosomal recessive centronuclear myopathy (PMID: 23975875). In summary, the currently available evidence indicates that the variant is pathogenic, but additional data are needed to prove that conclusively. Therefore, this variant has been classified as Likely Pathogenic.

Literature cited by the submitters: PubMed 25589632 (cited by Labcorp Genetics (formerly Invitae), Labcorp); PubMed 23975875 (cited by Labcorp Genetics (formerly Invitae), Labcorp).

NM_001267550.2(TTN):c.47487_47488del (p.Tyr15829_Ser15830delinsTer)

Genes: TTN (titin; minus strand), TTN-AS1 (TTN antisense RNA 1; plus strand). Cytogenetic location: 2q31.2.
Variant type: Deletion.
Coding change: c.47487_47488del on transcript NM_001267550.2 (MANE Select); coding-DNA positions 47487 to 47488, 2 bases deleted (CA; older notation c.47487_47488delCA).
Protein change: p.Tyr15829_Ser15830delinsTer.
Molecular consequence: nonsense.
Genome position (GRCh38, 1-based): chr2:178,617,863-178,617,864, TG deleted on the plus strand (CA on the coding strand, the reverse complement: TTN is on the minus strand); deleting any 2 consecutive bases within chr2:178,617,863-178,617,865 gives the same sequence; the c. name uses the placement nearest the transcript's 3' end. VCF-style (leftmost placement, unchanged base first): chr2-178617862-CTG-C. GRCh37 (hg19) VCF-style: chr2-179482589-CTG-C.
Other names: c.20292_20293delCA (NM_003319.4); c.42564_42565del, p.Tyr14188_Ser14189delinsTer (NM_001256850.1); c.20292_20293del, p.Tyr6764_Ser6765delinsTer (NM_003319.4); c.39783_39784del, p.Tyr13261_Ser13262delinsTer (NM_133378.4); c.20667_20668del, p.Tyr6889_Ser6890delinsTer (NM_133432.3); c.20868_20869del, p.Tyr6956_Ser6957delinsTer (NM_133437.4).
Identifiers: ClinVar variation 1517229 (VCV001517229.12), dbSNP rs1447249014, ClinGen allele CA761292227.